The following is an entry in ClinVar:

NM_001353345.2(SETD1B):c.2983G>T (p.Glu995Ter)

Gene: SETD1B (SET domain containing 1B, histone lysine methyltransferase; plus strand). Cytogenetic location: 12q24.31.
Variant type: single nucleotide variant.
Coding change: c.2983G>T on transcript NM_001353345.2 (MANE Select); coding-DNA position 2983, G replaced by T.
Protein change: p.Glu995Ter; replaces glutamic acid 995 with a stop codon.
Molecular consequence: nonsense.
Genome position (GRCh38, 1-based): chr12:121,817,375, G>T. VCF-style: chr12-121817375-G-T. GRCh37 (hg19) VCF-style: chr12-122255281-G-T.
Other names: short protein forms E995*.
Identifiers: ClinVar variation 3251206 (VCV003251206.18), dbSNP rs868095435.

ClinVar aggregate classification (germline): Pathogenic (1 of 4 stars; one submission).

Submission:

CeGaT Center for Human Genetics Tuebingen
Classification: Pathogenic. Last evaluated: 2024-07-01. Review status: criteria provided, single submitter. Criteria: CeGaT Center For Human Genetics Tuebingen Variant Classification Criteria Version 2. Collection method: clinical testing. Allele origin: germline. Affected: yes. Observed: 1 variant allele.
Comment: SETD1B: PVS1, PM2, PS2:Moderate